The following is an entry in ClinVar:

NM_000548.5(TSC2):c.1937G>C (p.Cys646Ser)

Gene: TSC2 (TSC complex subunit 2; plus strand). Cytogenetic location: 16p13.3.
Variant type: single nucleotide variant.
Coding change: c.1937G>C on transcript NM_000548.5 (MANE Select); coding-DNA position 1937, G replaced by C.
Protein change: p.Cys646Ser; replaces cysteine 646 with serine.
Molecular consequence: missense variant. On other transcripts: non-coding transcript variant (5).
Genome position (GRCh38, 1-based): chr16:2,071,607, G>C. VCF-style: chr16-2071607-G-C. GRCh37 (hg19) VCF-style: chr16-2121608-G-C.
Other names: c.1937G>C, p.Cys646Ser (NM_001077183.3, NM_001114382.3, NM_001363528.2 and 6 more transcripts); c.1826G>C, p.Cys609Ser (NM_001318827.2, NM_001406670.1, NM_001406678.1); c.1790G>C, p.Cys597Ser (NM_001318829.2, NM_001406675.1, NM_001406676.1 and 1 more transcripts); c.1337G>C, p.Cys446Ser (NM_001318831.2, NM_001406680.1, NM_001406682.1 and 6 more transcripts); c.1970G>C, p.Cys657Ser (NM_001318832.2); c.2027G>C, p.Cys676Ser (NM_001406667.1, NM_001406668.1); c.1925G>C, p.Cys642Ser (NM_001406671.1, NM_001406673.1); c.1880G>C, p.Cys627Ser (NM_001406677.1); and 3 more; short protein forms C112S, C609S, C597S, C627S, C642S, C676S, C646S, C657S.
Identifiers: ClinVar variation 4556882 (VCV004556882.1).

ClinVar aggregate classification (germline): Uncertain significance (1 of 4 stars; one submission).

Conditions:
Hereditary cancer-predisposing syndrome. Also called: Tumor predisposition; Hereditary Cancer Syndrome; Hereditary neoplastic syndrome; Neoplastic Syndromes, Hereditary. Identifiers: Orphanet 140162, MedGen C0027672, MeSH D009386, MONDO:0015356.

Submission:

Ambry Genetics
Classification: Uncertain significance for Hereditary cancer-predisposing syndrome. Last evaluated: 2025-10-06. Review status: criteria provided, single submitter. Criteria: Ambry Variant Classification Scheme 2023. Collection method: clinical testing. Allele origin: germline.
Comment: The p.C646S variant (also known as c.1937G>C), located in coding exon 17 of the TSC2 gene, results from a G to C substitution at nucleotide position 1937. The cysteine at codon 646 is replaced by serine, an amino acid with dissimilar properties. This amino acid position is highly conserved in available vertebrate species. In addition, this alteration is predicted to be deleterious by in silico analysis. Based on the available evidence, the clinical significance of this variant remains unclear.